The following is an entry in ClinVar:

ClinVar aggregate classification (germline): Uncertain significance. Review status: criteria provided, multiple submitters, no conflicts (2 of 4 stars). 2 submissions from 2 submitters: Uncertain significance (2). Last evaluated 2024-12-05.

Conditions:
Fanconi anemia (FA). Also called: Fanconi's anemia. Identifiers: Orphanet 84, MedGen C0015625, MeSH D005199, MONDO:0019391.
Fanconi anemia complementation group P. Also called: SLX4-Related Fanconi Anemia. Identifiers: Orphanet 84, MedGen C3469542, MONDO:0013499, OMIM 613951.

Allele frequency attached by ClinVar (database versions not stated): gnomAD 0.00001; ExAC 0.00002; TOPMed 0.00003; gnomAD exomes 0.00004.
gnomAD v4.1: 14 of 1,613,972 alleles (0.00087%); highest among the groups gnomAD compares: Admixed American, 0.022%; no homozygotes.

Submissions (2):

Labcorp Genetics (formerly Invitae), Labcorp
Classification: Uncertain significance for Fanconi anemia. Last evaluated: 2024-12-05. Review status: criteria provided, single submitter. Criteria: Invitae Variant Classification Sherloc (09022015). Collection method: clinical testing. Allele origin: germline.
Comment: This sequence change replaces proline, which is neutral and non-polar, with leucine, which is neutral and non-polar, at codon 328 of the SLX4 protein (p.Pro328Leu). This variant is present in population databases (rs760336082, gnomAD 0.03%). This variant has not been reported in the literature in individuals affected with SLX4-related conditions. ClinVar contains an entry for this variant (Variation ID: 1023843). An algorithm developed to predict the effect of missense changes on protein structure and function (PolyPhen-2) suggests that this variant is likely to be disruptive. In summary, the available evidence is currently insufficient to determine the role of this variant in disease. Therefore, it has been classified as a Variant of Uncertain Significance.

Fulgent Genetics
Classification: Uncertain significance for Fanconi anemia complementation group P. Last evaluated: 2022-05-07. Review status: criteria provided, single submitter. Criteria: ACMG Guidelines, 2015. Collection method: clinical testing. Allele origin: unknown.

NM_032444.4(SLX4):c.983C>T (p.Pro328Leu)

Gene: SLX4 (SLX4 structure-specific endonuclease subunit; minus strand). Cytogenetic location: 16p13.3.
Variant type: single nucleotide variant.
Coding change: c.983C>T on transcript NM_032444.4 (MANE Select); coding-DNA position 983, C replaced by T.
Protein change: p.Pro328Leu; replaces proline 328 with leucine.
Molecular consequence: missense variant.
Genome position (GRCh38, 1-based): chr16:3,601,159, G>A on the plus strand (C>T on the coding strand, the complement: SLX4 is on the minus strand). VCF-style: chr16-3601159-G-A. GRCh37 (hg19) VCF-style: chr16-3651160-G-A.
Other names: short protein forms P328L.
Identifiers: ClinVar variation 1023843 (VCV001023843.6), dbSNP rs760336082, ClinGen allele CA7866663.